The following is an entry in ClinVar:

NM_001005373.4(LRSAM1):c.1453C>A (p.Leu485Met)

Gene: LRSAM1 (leucine rich repeat and sterile alpha motif containing 1; plus strand). Cytogenetic location: 9q33.3.
Variant type: single nucleotide variant.
Coding change: c.1453C>A on transcript NM_001005373.4 (MANE Select); coding-DNA position 1453, C replaced by A.
Protein change: p.Leu485Met; replaces leucine 485 with methionine.
Molecular consequence: missense variant. On other transcripts: non-coding transcript variant (2), intron variant (1).
Genome position (GRCh38, 1-based): chr9:127,491,245, C>A. VCF-style: chr9-127491245-C-A. GRCh37 (hg19) VCF-style: chr9-130253524-C-A.
Other names: c.1453C>A, p.Leu485Met (NM_001005374.4, NM_001384142.1, NM_001384143.1 and 1 more transcripts); c.664C>A, p.Leu222Met (NM_001384144.1); c.1423-1557C>A (NM_001190723.3); short protein forms L485M, L222M.
Identifiers: ClinVar variation 3720689 (VCV003720689.2).
Genomic context (GRCh38, chr9:127,491,245, plus strand): 5'-AAAAAAAACCCTGTCTCGTCTTCTGTTTAGATTAAGTTAATAGAAACTGAGTTATTGCAG[C>A]TGACACAGCTGGAGTTAAAGAGGAAGTCCCTGGACACAGAGTCACTCCAGGTATGTAGGG-3'
Protein context (NP_001005373.1, residues 475-495): IKLIETELLQ[Leu485Met]TQLELKRKSL

ClinVar aggregate classification (germline): Uncertain significance (1 of 4 stars; one submission).

Conditions:
Charcot-Marie-Tooth disease axonal type 2P. Also called: CHARCOT-MARIE-TOOTH NEUROPATHY, TYPE 2P; Charcot-Marie-Tooth Neuropathy Type 2G; CHARCOT-MARIE-TOOTH DISEASE, AXONAL, TYPE 2G; CMT 2G. Identifiers: Orphanet 300319, Orphanet 99941, MedGen C3280797, MONDO:0013753, OMIM 614436.

gnomAD v4.1: 5 of 1,613,942 alleles (0.00031%); highest among the groups gnomAD compares: Non-Finnish European, 0.00034%; no homozygotes.

Submission:

Labcorp Genetics (formerly Invitae), Labcorp
Classification: Uncertain significance for Charcot-Marie-Tooth disease axonal type 2P. Last evaluated: 2024-11-21. Review status: criteria provided, single submitter. Criteria: Invitae Variant Classification Sherloc (09022015). Collection method: clinical testing. Allele origin: germline.
Comment: This sequence change replaces leucine, which is neutral and non-polar, with methionine, which is neutral and non-polar, at codon 485 of the LRSAM1 protein (p.Leu485Met). This variant is present in population databases (no rsID available, gnomAD 0.0009%). This variant has not been reported in the literature in individuals affected with LRSAM1-related conditions. An algorithm developed to predict the effect of missense changes on protein structure and function (PolyPhen-2) suggests that this variant is likely to be disruptive. In summary, the available evidence is currently insufficient to determine the role of this variant in disease. Therefore, it has been classified as a Variant of Uncertain Significance.